The following is an entry in ClinVar:

NM_025103.4(IFT74):c.306-3T>C

Gene: IFT74 (intraflagellar transport 74; plus strand). Cytogenetic location: 9p21.2.
Variant type: single nucleotide variant.
Coding change: c.306-3T>C on transcript NM_025103.4 (MANE Select); 3 bases into the intron before coding-DNA position 306, T replaced by C.
Molecular consequence: intron variant.
Genome position (GRCh38, 1-based): chr9:26,984,254, T>C. VCF-style: chr9-26984254-T-C. GRCh37 (hg19) VCF-style: chr9-26984252-T-C.
Other names: c.306-3T>C (NM_001099223.3, NM_001099222.3, NM_001349928.2 and 1 more transcripts).
Identifiers: ClinVar variation 2086866 (VCV002086866.2), dbSNP rs1019047781, ClinGen allele CA191313422.
Genomic context (GRCh38, chr9:26,984,254, plus strand): 5'-TTTGCTTAACTAGAGTTTTCTGGATTAAAAGTATTGCTGACATTCTTATTTCTTTTCTAA[T>C]AGAAGTAAAATAAGTGAACTTACAACTGAAGTTAATAAACTTCAGAAGGGAATAGAAATG-3'

ClinVar aggregate classification (germline): Uncertain significance (1 of 4 stars; one submission).

Allele frequency attached by ClinVar (database versions not stated): gnomAD exomes below 0.00001.
gnomAD v4.1: 2 of 1,554,918 alleles (0.00013%); highest among the groups gnomAD compares: Non-Finnish European, 0.00017%; no homozygotes.

Submission:

Labcorp Genetics (formerly Invitae), Labcorp
Classification: Uncertain significance. Last evaluated: 2025-01-06. Review status: criteria provided, single submitter. Criteria: Invitae Variant Classification Sherloc (09022015). Collection method: clinical testing. Allele origin: germline.
Comment: This sequence change falls in intron 4 of the IFT74 gene. It does not directly change the encoded amino acid sequence of the IFT74 protein. It affects a nucleotide within the consensus splice site. This variant is not present in population databases (gnomAD no frequency). This variant has not been reported in the literature in individuals affected with IFT74-related conditions. ClinVar contains an entry for this variant (Variation ID: 2086866). Variants that disrupt the consensus splice site are a relatively common cause of aberrant splicing (PMID: 17576681, 9536098). Algorithms developed to predict the effect of sequence changes on RNA splicing suggest that this variant is not likely to affect RNA splicing. In summary, the available evidence is currently insufficient to determine the role of this variant in disease. Therefore, it has been classified as a Variant of Uncertain Significance.

Literature cited by the submitters: PubMed 17576681; PubMed 9536098.